The following is an entry in ClinVar:

ClinVar aggregate classification (germline): Uncertain significance (1 of 4 stars; one submission).

gnomAD v4.1: 2 of 1,613,978 alleles (0.00012%); highest among the groups gnomAD compares: Admixed American, 0.0033%; no homozygotes.

Submission:

Labcorp Genetics (formerly Invitae), Labcorp
Classification: Uncertain significance. Last evaluated: 2025-03-27. Review status: criteria provided, single submitter. Criteria: Invitae Variant Classification Sherloc (09022015). Collection method: clinical testing. Allele origin: germline.
Comment: This sequence change replaces histidine, which is basic and polar, with glutamine, which is neutral and polar, at codon 325 of the ACO2 protein (p.His325Gln). This variant is present in population databases (no rsID available, gnomAD 0.1%). This variant has not been reported in the literature in individuals affected with ACO2-related conditions. Invitae Evidence Modeling of protein sequence and biophysical properties (such as structural, functional, and spatial information, amino acid conservation, physicochemical variation, residue mobility, and thermodynamic stability) indicates that this missense variant is not expected to disrupt ACO2 protein function with a negative predictive value of 80%. In summary, the available evidence is currently insufficient to determine the role of this variant in disease. Therefore, it has been classified as a Variant of Uncertain Significance.

NM_001098.3(ACO2):c.975C>G (p.His325Gln)

Gene: ACO2 (aconitase 2; plus strand). Cytogenetic location: 22q13.2.
Variant type: single nucleotide variant.
Coding change: c.975C>G on transcript NM_001098.3 (MANE Select); coding-DNA position 975, C replaced by G.
Protein change: p.His325Gln; replaces histidine 325 with glutamine.
Molecular consequence: missense variant.
Genome position (GRCh38, 1-based): chr22:41,518,515, C>G. VCF-style: chr22-41518515-C-G. GRCh37 (hg19) VCF-style: chr22-41914519-C-G.
Other names: short protein forms H325Q.
Identifiers: ClinVar variation 4781715 (VCV004781715.1).
Genomic context (GRCh38, chr22:41,518,515, plus strand): 5'-CCATCCCCGTCCCTTGTTGATTTCAGACATTGCCAATCTAGCTGATGAATTCAAGGATCA[C>G]TTGGTGCCTGACCCTGGCTGCCATTATGACCAACTAATTGAAATTAACCTCAGTGAGGTG-3'
Protein context (NP_001089.1, residues 315-335): IANLADEFKD[His325Gln]LVPDPGCHYD